The following is an entry in ClinVar:

ClinVar aggregate classification (germline): Likely pathogenic (1 of 4 stars; one submission).

Allele frequency attached by ClinVar (database versions not stated): ExAC 0.00001.
gnomAD v4.1: 26 of 1,613,668 alleles (0.0016%); highest among the groups gnomAD compares: Non-Finnish European, 0.0021%; no homozygotes.

Submission:

GeneDx
Classification: Likely pathogenic. Last evaluated: 2016-06-22. Review status: criteria provided, single submitter. Criteria: GeneDx Variant Classification (06012015). Collection method: clinical testing. Allele origin: germline. Affected: yes.
Comment: The S2731X variant in the LAMA1 gene has not been reported previously as a pathogenic variant nor as a benign variant, to our knowledge. This variant is predicted to cause loss of normal protein function either through protein truncation or nonsense-mediated mRNA decay. The S2731X variant was not observed in approximately 6500 individuals of European and African American ancestry in the NHLBI Exome Sequencing Project, indicating it is not a common benign variant in these populations. Therefore, we interpret S2731X as a likely pathogenic variant.

NM_005559.4(LAMA1):c.8192C>A (p.Ser2731Ter)

Genes: LAMA1 (laminin subunit alpha 1; minus strand), LOC101927188 (uncharacterized LOC101927188; plus strand). Cytogenetic location: 18p11.31.
Variant type: single nucleotide variant.
Coding change: c.8192C>A on transcript NM_005559.4 (MANE Select); coding-DNA position 8192, C replaced by A.
Protein change: p.Ser2731Ter; replaces serine 2731 with a stop codon.
Molecular consequence: nonsense. On other transcripts: non-coding transcript variant (1).
Genome position (GRCh38, 1-based): chr18:6,955,368, G>T on the plus strand (C>A on the coding strand, the complement: LAMA1 is on the minus strand). VCF-style: chr18-6955368-G-T. GRCh37 (hg19) VCF-style: chr18-6955367-G-T.
Other names: short protein forms S2731*.
Identifiers: ClinVar variation 372974 (VCV000372974.1), dbSNP rs773457070, ClinGen allele CA8880576.
Genomic context (GRCh38, chr18:6,955,368, plus strand): 5'-ATCTAGCAATGAGACGCCGCATAAGGATGTTAGAATGATACCTACTTCTTTCTGACAGCC[G>T]ACTGATTAAAAGGCAAGATGAAATGGCTGTTTTGTGTGAGACCAAACTGGTGAGCGCCGG-3'